The following is an entry in ClinVar:

NM_001308093.3(GATA4):c.617-61G>C

Gene: GATA4 (GATA binding protein 4). Cytogenetic location: 8p23.1.
Variant type: single nucleotide variant.
Coding change: c.617-61G>C on transcript NM_001308093.3 (MANE Select); 61 bases into the intron before coding-DNA position 617, G replaced by C.
Molecular consequence: intron variant.
Genome position (GRCh38, 1-based): chr8:11,748,855, G>C. VCF-style: chr8-11748855-G-C. GRCh37 (hg19) VCF-style: chr8-11606364-G-C.
Other names: c.-5-61G>C (NM_001308094.2); c.617-64G>C (NM_002052.5); c.-2-64G>C (NM_001374274.1, NM_001374273.1).
Identifiers: ClinVar variation 433017 (VCV000433017.12), dbSNP rs10503425, ClinGen allele CA12713987.

ClinVar aggregate classification (germline): Benign/Likely benign. Review status: criteria provided, multiple submitters, no conflicts (2 of 4 stars). 9 submissions from 9 submitters: Benign (3); Likely benign (1). 5 of the submissions do not count toward it. Last evaluated 2025-07-30.

Conditions:
Congenital heart disease (CHD). Identifiers: MedGen C0152021, MONDO:0005453. Disease mechanism: unknown.

Allele frequency attached by ClinVar (database versions not stated): 1000 Genomes Project 30x 0.04794; gnomAD 0.10519 and 0.10765; TOPMed 0.09859; 1000 Genomes Project 0.04932.
gnomAD v4.1: 215,518 of 1,577,196 alleles (14%); highest among the groups gnomAD compares: Non-Finnish European, 16%; 17,005 homozygotes.

Submissions (9):

Genomic Medicine Center of Excellence, King Faisal Specialist Hospital and Research Centre
Classification: Likely benign for Congenital heart disease. Last evaluated: 2025-07-30. Review status: criteria provided, single submitter. Criteria: ACMG Guidelines, 2015. Collection method: clinical testing. Allele origin: germline.

Laboratory of Genetics, Children's Clinical University Hospital Latvia
Classification: Benign. Last evaluated: 2025-02-16. Review status: criteria provided, single submitter. Criteria: ACMG Guidelines, 2015. Collection method: clinical testing. Allele origin: germline. Affected: yes.

GeneDx
Classification: Benign. Last evaluated: 2018-09-11. Review status: criteria provided, single submitter. Criteria: GeneDx Variant Classification Process June 2021. Collection method: clinical testing. Allele origin: germline. Affected: yes.

Breakthrough Genomics
Classification: Benign. Review status: criteria provided, single submitter. Criteria: ACMG Guidelines, 2015. Collection method: not provided. Allele origin: germline. Inheritance: Autosomal dominant inheritance. Affected: yes.

Reproductive Health Research and Development, BGI Genomics
Classification: Benign for Congenital heart disease. Last evaluated: 2020-01-06. Review status: no assertion criteria provided. Collection method: curation. Allele origin: germline. Not counted in ClinVar's aggregate classification.
Comment: NG_008177.2(NM_002052.4):c.617-64G>C in the gene GATA4 has an allele frequency of 0.188 in European (non-Finnish) subpopulation in the gnomAD database. 337 homozygous occurrences are observed in the gnomAD database. This evidence suggests the variant to be classified as benign. ACMG/AMP criteria applied: BA1, BS2.

Central Research Laboratory, Sri Devaraj Urs Academy of Higher Education and Research
Classification: Pathogenic for Congenital heart disease. Last evaluated: 2017-01-07. Review status: no assertion criteria provided. Collection method: clinical testing. Allele origin: unknown. Affected: yes. Observed: 8 variant alleles. Not counted in ClinVar's aggregate classification.
Comment: This variant, NG_008177.2:g.76937G>C, leads to disruption of ISE SRp40 binding motif.

Genome Diagnostics Laboratory, Amsterdam University Medical Center
Classification: Benign. Review status: no assertion criteria provided. Collection method: clinical testing. Allele origin: germline. Affected: yes. Study: VKGL Data-share Consensus. Not counted in ClinVar's aggregate classification.

Genome Diagnostics Laboratory, University Medical Center Utrecht
Classification: Benign. Review status: no assertion criteria provided. Collection method: clinical testing. Allele origin: germline. Affected: yes. Study: VKGL Data-share Consensus. Not counted in ClinVar's aggregate classification.

Joint Genome Diagnostic Labs from Nijmegen and Maastricht, Radboudumc and MUMC+
Classification: Benign. Review status: no assertion criteria provided. Collection method: clinical testing. Allele origin: germline. Affected: yes. Study: VKGL Data-share Consensus. Not counted in ClinVar's aggregate classification.

Literature cited by the submitters: PubMed 27426723 (cited by Central Research Laboratory, Sri Devaraj Urs Academy of Higher Education and Research).